The following is an entry in ClinVar:

NM_017780.4(CHD7):c.378C>A (p.Tyr126Ter)

Gene: CHD7 (chromodomain helicase DNA binding protein 7; plus strand). Cytogenetic location: 8q12.2.
Variant type: single nucleotide variant.
Coding change: c.378C>A on transcript NM_017780.4 (MANE Select); coding-DNA position 378, C replaced by A.
Protein change: p.Tyr126Ter; replaces tyrosine 126 with a stop codon.
Molecular consequence: nonsense.
Genome position (GRCh38, 1-based): chr8:60,741,810, C>A. VCF-style: chr8-60741810-C-A. GRCh37 (hg19) VCF-style: chr8-61654369-C-A.
Other names: c.378C>A, p.Tyr126Ter (NM_001316690.1); short protein forms Y126*.
Identifiers: ClinVar variation 599450 (VCV000599450.5), dbSNP rs1563559596, ClinGen allele CA371297245.
Genomic context (GRCh38, chr8:60,741,810, plus strand): 5'-CACCCCTCCCGTTCCTCAGGTGCCCCATGGTGGCAGTGGTGGCGGTCAGATGGGTGTCTA[C>A]CCTGGCATGCAGAATGAGAGGCATGGGCAATCCTTTGTGGACAGCAGCTCCATGTGGGGC-3'

ClinVar aggregate classification (germline): Likely pathogenic (1 of 4 stars; one submission).

Conditions:
CHARGE syndrome (CHARGE). Also called: Coloboma, heart anomaly, choanal atresia, retardation, genital and ear anomalies; CHARGE association; Hall-Hittner syndrome; Hittner Hirsch Kreh syndrome; CHARGE ASSOCIATION--COLOBOMA, HEART ANOMALY, CHOANAL ATRESIA, RETARDATION, GENITAL AND EAR ANOMALIES. Identifiers: Orphanet 138, MedGen C0265354, MONDO:0008965.

Submission:

Institute for Genomic Medicine (IGM) Clinical Laboratory, Nationwide Children's Hospital
Classification: Likely pathogenic for CHARGE syndrome. Last evaluated: 2017-12-22. Review status: criteria provided, single submitter. Criteria: ACMG Guidelines, 2015. Collection method: clinical testing. Allele origin: germline. Affected: yes.
Comment: PVS1, PM2; This nonsense alteration within exon 2 of the CHD7 gene is absent from healthy populations [ACMG:PM2] and predicted to introduce a premature stop codon in a gene where loss of function is a known mechanism of disease (PMID: 20301296)[ACMG:PVS1]. This alteration meets ACMG guidelines for classification as a likely pathogenic variant.

Literature cited by the submitters: PubMed 20301296.